The following is an entry in ClinVar:

NM_000179.3(MSH6):c.457+2T>G

Gene: MSH6 (mutS homolog 6; plus strand). Cytogenetic location: 2p16.3.
Variant type: single nucleotide variant.
Coding change: c.457+2T>G on transcript NM_000179.3 (MANE Select); the canonical splice donor site of the intron after coding-DNA position 457, T replaced by G.
Molecular consequence: splice donor variant. On other transcripts: synonymous variant (1), intron variant (6).
Genome position (GRCh38, 1-based): chr2:47,791,125, T>G. VCF-style: chr2-47791125-T-G. GRCh37 (hg19) VCF-style: chr2-48018264-T-G.
Other names: c.459T>G, p.Gly153= (NM_001406813.1); c.457+2T>G (NM_001406809.1, NM_001406796.1, NM_001406808.1 and 5 more transcripts); c.-280+2T>G (NM_001406811.1, NM_001281493.2, NM_001406829.1 and 1 more transcripts); c.160+2T>G (NM_001406805.1, NM_001406797.1, NM_001406801.1 and 10 more transcripts); c.553+2T>G (NM_001406795.1, NM_001406802.1); c.-472+2T>G (NM_001406807.1); c.-538+2T>G (NM_001406814.1); c.-280+155T>G (NM_001406812.1); and 6 more.
Identifiers: ClinVar variation 2673589 (VCV002673589.1), dbSNP rs267608036, ClinGen allele CA346737225.

ClinVar aggregate classification (germline): Likely pathogenic (1 of 4 stars; one submission).

Conditions:
Lynch syndrome 5 (LYNCH5). Also called: Colorectal cancer, hereditary nonpolyposis, type 5; Hereditary non-polyposis colorectal cancer, type 5. Identifiers: Orphanet 144, MedGen C1833477, MONDO:0013710, OMIM 614350. Disease mechanism: loss of function.

Allele frequency attached by ClinVar (database versions not stated): gnomAD exomes below 0.00001.

Submission:

Myriad Genetics, Inc.
Classification: Likely pathogenic for Lynch syndrome 5. Last evaluated: 2023-08-10. Review status: criteria provided, single submitter. Criteria: Myriad Autosomal Dominant, Autosomal Recessive and X-Linked Classification Criteria (2023). Collection method: clinical testing. Allele origin: unknown.
Comment: This variant is considered likely pathogenic. This variant occurs within a consensus splice junction and is predicted to result in abnormal mRNA splicing of either an out-of-frame exon or an in-frame exon necessary for protein stability and/or normal function.